The following is an entry in ClinVar:

ClinVar aggregate classification (germline): Uncertain significance (1 of 4 stars; one submission).

Conditions:
Cardiovascular phenotype. Identifiers: MedGen CN230736.

Submission:

Ambry Genetics
Classification: Uncertain significance for Cardiovascular phenotype. Last evaluated: 2019-08-02. Review status: criteria provided, single submitter. Criteria: Ambry Variant Classification Scheme 2023. Collection method: clinical testing. Allele origin: germline.
Comment: The p.V9677E variant (also known as c.29030T>A), located in coding exon 116 of the TTN gene, results from a T to A substitution at nucleotide position 29030. The valine at codon 9677 is replaced by glutamic acid, an amino acid with dissimilar properties. This amino acid position is highly conserved in available vertebrate species. Using the BDGP and ESEfinder splice site prediction tools, this alteration is predicted to create a new alternate splice donor site; however, direct evidence is unavailable. In addition, the in silico prediction for this alteration is inconclusive. Since supporting evidence is limited at this time, the clinical significance of this alteration remains unclear.

NM_001267550.2(TTN):c.56225T>A (p.Val18742Glu)

Genes: TTN (titin; minus strand), TTN-AS1 (TTN antisense RNA 1; plus strand). Cytogenetic location: 2q31.2.
Variant type: single nucleotide variant.
Coding change: c.56225T>A on transcript NM_001267550.2 (MANE Select); coding-DNA position 56225, T replaced by A.
Protein change: p.Val18742Glu; replaces valine 18742 with glutamic acid.
Molecular consequence: missense variant. On other transcripts: non-coding transcript variant (1).
Genome position (GRCh38, 1-based): chr2:178,599,676, A>T on the plus strand (T>A on the coding strand, the complement: TTN is on the minus strand). VCF-style: chr2-178599676-A-T. GRCh37 (hg19) VCF-style: chr2-179464403-A-T.
Other names: c.51302T>A, p.Val17101Glu (NM_001256850.1); c.29030T>A, p.Val9677Glu (NM_003319.4); c.48521T>A, p.Val16174Glu (NM_133378.4); c.29405T>A, p.Val9802Glu (NM_133432.3); c.29606T>A, p.Val9869Glu (NM_133437.4); short protein forms V17101E, V18742E, V16174E, V9677E, V9802E, V9869E.
Identifiers: ClinVar variation 1797476 (VCV001797476.2), dbSNP rs2469904072, ClinGen allele CA349533972.